The following is an entry in ClinVar:

NM_203447.4(DOCK8):c.2894C>G (p.Ala965Gly)

Gene: DOCK8 (dedicator of cytokinesis 8; plus strand). Cytogenetic location: 9p24.3.
Variant type: single nucleotide variant.
Coding change: c.2894C>G on transcript NM_203447.4 (MANE Select); coding-DNA position 2894, C replaced by G.
Protein change: p.Ala965Gly; replaces alanine 965 with glycine.
Molecular consequence: missense variant.
Genome position (GRCh38, 1-based): chr9:390,490, C>G. VCF-style: chr9-390490-C-G. GRCh37 (hg19) VCF-style: chr9-390490-C-G.
Other names: c.2594C>G, p.Ala865Gly (NM_001190458.2); c.2690C>G, p.Ala897Gly (NM_001193536.2); short protein forms A897G, A965G, A865G.
Identifiers: ClinVar variation 3688259 (VCV003688259.2).

ClinVar aggregate classification (germline): Uncertain significance (1 of 4 stars; one submission).

Conditions:
Combined immunodeficiency due to DOCK8 deficiency (HIES2). Also called: Hyper-IgE recurrent infection syndrome, autosomal recessive; HIES autosomal recessive; HYPER-IgE RECURRENT INFECTION SYNDROME 2, AUTOSOMAL RECESSIVE; HYPER-IgE SYNDROME 2, AUTOSOMAL RECESSIVE, WITH RECURRENT INFECTIONS; DOCK8 Deficiency. Identifiers: Orphanet 217390, MedGen C4722305, MONDO:0009478, OMIM 243700.

gnomAD v4.1: 1 of 1,614,154 alleles (0.000062%); highest among the groups gnomAD compares: Non-Finnish European, 0.000085%; no homozygotes.

Submission:

Labcorp Genetics (formerly Invitae), Labcorp
Classification: Uncertain significance for Combined immunodeficiency due to DOCK8 deficiency. Last evaluated: 2024-05-30. Review status: criteria provided, single submitter. Criteria: Invitae Variant Classification Sherloc (09022015). Collection method: clinical testing. Allele origin: germline.
Comment: This sequence change replaces alanine, which is neutral and non-polar, with glycine, which is neutral and non-polar, at codon 965 of the DOCK8 protein (p.Ala965Gly). This variant is present in population databases (no rsID available, gnomAD 0.0009%). This variant has not been reported in the literature in individuals affected with DOCK8-related conditions. Advanced modeling of protein sequence and biophysical properties (such as structural, functional, and spatial information, amino acid conservation, physicochemical variation, residue mobility, and thermodynamic stability) has been performed at Invitae for this missense variant, however the output from this modeling did not meet the statistical confidence thresholds required to predict the impact of this variant on DOCK8 protein function. In summary, the available evidence is currently insufficient to determine the role of this variant in disease. Therefore, it has been classified as a Variant of Uncertain Significance.